The following is an entry in ClinVar:

NM_000352.6(ABCC8):c.4533T>G (p.Ile1511Met)

Gene: ABCC8 (ATP binding cassette subfamily C member 8; minus strand). Cytogenetic location: 11p15.1.
Variant type: single nucleotide variant.
Coding change: c.4533T>G on transcript NM_000352.6 (MANE Select); coding-DNA position 4533, T replaced by G.
Protein change: p.Ile1511Met; replaces isoleucine 1511 with methionine.
Molecular consequence: missense variant. On other transcripts: non-coding transcript variant (1).
Genome position (GRCh38, 1-based): chr11:17,394,278, A>C on the plus strand (T>G on the coding strand, the complement: ABCC8 is on the minus strand). VCF-style: chr11-17394278-A-C. GRCh37 (hg19) VCF-style: chr11-17415825-A-C.
Other names: c.4536T>G, p.Ile1512Met (NM_001287174.3); c.4599T>G, p.Ile1533Met (NM_001351295.2); c.4533T>G, p.Ile1511Met (NM_001351296.2); c.4530T>G, p.Ile1510Met (NM_001351297.2); short protein forms I1510M, I1511M, I1512M, I1533M.
Identifiers: ClinVar variation 2630438 (VCV002630438.1), dbSNP rs1953787015, ClinGen allele CA379782753.

ClinVar aggregate classification (germline): Uncertain significance (1 of 4 stars; one submission).

Conditions:
ABCC8-related disorder.

gnomAD v4.1: 1 of 1,613,936 alleles (0.000062%); no homozygotes.

Submission:

PreventionGenetics, part of Exact Sciences
Classification: Uncertain significance for ABCC8-related condition. Last evaluated: 2023-02-05. Review status: criteria provided, single submitter. Criteria: ACMG Guidelines, 2015. Collection method: clinical testing. Allele origin: germline.
Comment: The ABCC8 c.4533T>G variant is predicted to result in the amino acid substitution p.Ile1511Met. To our knowledge, this variant has not been reported in the literature or in a large population database, indicating this variant is rare. Alternative substitutions at the same amino acid (p.Ile1511Thr and p.Ile1511Ser) have been reported in patients with hyperinsulinism (Pinney. 2008. PubMed ID: 18596924; Saint-Martin. 2015. PubMed ID: 24814349). Although we suspect this variant maybe pathogenic, at this time, the clinical significance of this variant is uncertain due to the absence of conclusive functional and genetic evidence.